The following is an entry in ClinVar:

NM_003227.4(TFR2):c.808_814del (p.Leu270fs)

Gene: TFR2 (transferrin receptor 2; minus strand). Cytogenetic location: 7q22.1.
Variant type: Deletion.
Coding change: c.808_814del on transcript NM_003227.4 (MANE Select); coding-DNA positions 808 to 814, 7 bases deleted (CTGCTGC; older notation c.808_814delCTGCTGC).
Protein change: p.Leu270fs; shifts the reading frame from leucine 270.
Molecular consequence: frameshift variant.
Genome position (GRCh38, 1-based): chr7:100,633,036-100,633,042, GCAGCAG deleted on the plus strand (CTGCTGC on the coding strand, the reverse complement: TFR2 is on the minus strand); deleting any 7 consecutive bases within chr7:100,633,036-100,633,044 gives the same sequence; the c. name uses the placement nearest the transcript's 3' end. VCF-style (leftmost placement, unchanged base first): chr7-100633035-AGCAGCAG-A. GRCh37 (hg19) VCF-style: chr7-100230658-AGCAGCAG-A.
Other names: c.295_301del, p.Leu99fs (NM_001206855.3); short protein forms L270fs, L99fs.
Identifiers: ClinVar variation 4815111 (VCV004815111.1).

ClinVar aggregate classification (germline): Likely pathogenic (1 of 4 stars; one submission).

Conditions:
Hemochromatosis type 3 (HFE3). Also called: HEMOCHROMATOSIS DUE TO DEFECT IN TRANSFERRIN RECEPTOR 2; Hereditary hemochromatosis type 3; TFR2-Related Hemochromatosis. Identifiers: Orphanet 225123, MedGen C1858664, MONDO:0011417, OMIM 604250.

Submission:

Natera, Inc.
Classification: Likely pathogenic for Hereditary hemochromatosis type 3. Last evaluated: 2025-09-11. Review status: criteria provided, single submitter. Criteria: Natera Variant Classification Schema (03/2026). Collection method: clinical testing. Allele origin: germline.
Comment: The c.808_814del variant in TFR2 is a frameshift variant predicted to shift the reading frame beginning at codon 270 and leads to a stop codon 6 codons downstream. This variant is expected to result in nonsense mediated decay, truncation, or a dysfunctional protein product. This variant is rare in the general population with a frequency below the threshold expected for the associated phenotype(s). Given the available evidence, this variant is classified as Likely Pathogenic.